The following is an entry in ClinVar:

NM_024642.5(GALNT12):c.1707G>A (p.Ser569=)

Gene: GALNT12 (polypeptide N-acetylgalactosaminyltransferase 12; plus strand). Cytogenetic location: 9q22.33.
Variant type: single nucleotide variant.
Coding change: c.1707G>A on transcript NM_024642.5 (MANE Select); coding-DNA position 1707, G replaced by A.
Protein change: p.Ser569=; no amino-acid change (serine 569 retained).
Molecular consequence: synonymous variant.
Genome position (GRCh38, 1-based): chr9:98,849,053, G>A. VCF-style: chr9-98849053-G-A. GRCh37 (hg19) VCF-style: chr9-101611335-G-A.
Identifiers: ClinVar variation 700141 (VCV000700141.17), dbSNP rs2273846, ClinGen allele CA5154352.

ClinVar aggregate classification (germline): Benign/Likely benign. Review status: criteria provided, multiple submitters, no conflicts (2 of 4 stars). 4 submissions from 4 submitters: Benign (2); Likely benign (2). Last evaluated 2026-04-28.

Conditions:
Colorectal cancer, susceptibility to, 1. Also called: COLORECTAL ADENOMA AND CANCER, SUSCEPTIBILITY TO; COLORECTAL CANCER, SUSCEPTIBILITY TO, ON CHROMOSOME 9. Identifiers: MedGen C1837315, MONDO:0012132, OMIM 608812.

Allele frequency attached by ClinVar (database versions not stated): 1000 Genomes Project 30x 0.00031; 1000 Genomes Project 0.00040.
gnomAD v4.1: 72 of 1,614,088 alleles (0.0045%); highest among the groups gnomAD compares: African/African-American, 0.06%; no homozygotes.

Submissions (4):

Myriad Genetics, Inc.
Classification: Benign for Colorectal cancer, susceptibility to, 1. Last evaluated: 2026-04-28. Review status: criteria provided, single submitter. Criteria: Myriad Autosomal Dominant, Autosomal Recessive and X-Linked Classification Criteria (2023). Collection method: clinical testing. Allele origin: unknown.
Comment: This variant is considered benign. This variant is a silent/synonymous amino acid change and it is not expected to impact splicing.

Labcorp Genetics (formerly Invitae), Labcorp
Classification: Likely benign. Last evaluated: 2025-01-23. Review status: criteria provided, single submitter. Criteria: Invitae Variant Classification Sherloc (09022015). Collection method: clinical testing. Allele origin: germline.

Quest Diagnostics Nichols Institute San Juan Capistrano
Classification: Benign. Last evaluated: 2023-05-12. Review status: criteria provided, single submitter. Criteria: Quest Diagnostics criteria. Collection method: clinical testing. Allele origin: unknown.

Ambry Genetics
Classification: Likely benign. Last evaluated: 2018-09-26. Review status: criteria provided, single submitter. Criteria: Ambry Variant Classification Scheme 2023. Collection method: clinical testing. Allele origin: germline.